The following is an entry in ClinVar:

NM_001374828.1(ARID1B):c.6922C>T (p.Pro2308Ser)

Gene: ARID1B (AT-rich interaction domain 1B; plus strand). Cytogenetic location: 6q25.3.
Variant type: single nucleotide variant.
Coding change: c.6922C>T on transcript NM_001374828.1 (MANE Select); coding-DNA position 6922, C replaced by T.
Protein change: p.Pro2308Ser; replaces proline 2308 with serine.
Molecular consequence: missense variant.
Genome position (GRCh38, 1-based): chr6:157,207,694, C>T. VCF-style: chr6-157207694-C-T. GRCh37 (hg19) VCF-style: chr6-157528828-C-T.
Other names: c.6673C>T, p.Pro2225Ser (NM_001346813.1); c.4423C>T, p.Pro1475Ser (NM_001363725.2); c.6802C>T, p.Pro2268Ser (NM_001371656.1, NM_001374820.1); c.6763C>T, p.Pro2255Ser (NM_017519.3); c.6553C>T, p.Pro2185Ser (NM_020732.3); c.6340C>T, p.Pro2114Ser (NM_175863.2); short protein forms P2114S, P2268S, P2308S, P2185S, P2225S, P1475S, P2255S.
Identifiers: ClinVar variation 1964142 (VCV001964142.5), dbSNP rs2128399105, ClinGen allele CA366249366.

ClinVar aggregate classification (germline): Uncertain significance (1 of 4 stars; one submission).

Submission:

Labcorp Genetics (formerly Invitae), Labcorp
Classification: Uncertain significance. Last evaluated: 2022-08-29. Review status: criteria provided, single submitter. Criteria: Invitae Variant Classification Sherloc (09022015). Collection method: clinical testing. Allele origin: germline.
Comment: In summary, the available evidence is currently insufficient to determine the role of this variant in disease. Therefore, it has been classified as a Variant of Uncertain Significance. Algorithms developed to predict the effect of missense changes on protein structure and function are either unavailable or do not agree on the potential impact of this missense change (SIFT: "Deleterious"; PolyPhen-2: "Probably Damaging"; Align-GVGD: "Class C0"). This sequence change replaces proline, which is neutral and non-polar, with serine, which is neutral and polar, at codon 2185 of the ARID1B protein (p.Pro2185Ser). This variant is not present in population databases (gnomAD no frequency). This variant has not been reported in the literature in individuals affected with ARID1B-related conditions.